The following is an entry in ClinVar:

NM_139318.5(KCNH5):c.2156T>C (p.Leu719Pro)

Gene: KCNH5 (potassium voltage-gated channel subfamily H member 5; minus strand). Cytogenetic location: 14q23.2.
Variant type: single nucleotide variant.
Coding change: c.2156T>C on transcript NM_139318.5 (MANE Select); coding-DNA position 2156, T replaced by C.
Protein change: p.Leu719Pro; replaces leucine 719 with proline.
Molecular consequence: missense variant. On other transcripts: 3 prime UTR variant (1).
Genome position (GRCh38, 1-based): chr14:62,708,319, A>G on the plus strand (T>C on the coding strand, the complement: KCNH5 is on the minus strand). VCF-style: chr14-62708319-A-G. GRCh37 (hg19) VCF-style: chr14-63175037-A-G.
Other names: c.2156T>C (NM_139318.4); c.*123T>C (NM_172375.3); short protein forms L719P.
Identifiers: ClinVar variation 2847887 (VCV002847887.4), dbSNP rs2502654477, ClinGen allele CA390101213.

ClinVar aggregate classification (germline): Uncertain significance. Review status: criteria provided, multiple submitters, no conflicts (2 of 4 stars). 2 submissions from 2 submitters: Uncertain significance (2). Last evaluated 2026-03-21.

Conditions:
Early-infantile DEE. Also called: Early infantile epileptic encephalopathy with suppression bursts; Ohtahara syndrome; Early infantile epileptic encephalopathy. Identifiers: Orphanet 1934, MedGen C0393706, MONDO:0800491.

Submissions (2):

GeneDx
Classification: Uncertain significance. Last evaluated: 2026-03-21. Review status: criteria provided, single submitter. Criteria: GeneDx Variant Classification Process June 2021. Collection method: clinical testing. Allele origin: germline.
Comment: Not observed at significant frequency in large population cohorts (gnomAD); In silico analysis suggests that this missense variant does not alter protein structure/function; Has not been previously published as pathogenic or benign to our knowledge

Labcorp Genetics (formerly Invitae), Labcorp
Classification: Uncertain significance for Early-infantile DEE. Last evaluated: 2023-03-20. Review status: criteria provided, single submitter. Criteria: Invitae Variant Classification Sherloc (09022015). Collection method: clinical testing. Allele origin: germline.
Comment: In summary, the available evidence is currently insufficient to determine the role of this variant in disease. Therefore, it has been classified as a Variant of Uncertain Significance. Advanced modeling of protein sequence and biophysical properties (such as structural, functional, and spatial information, amino acid conservation, physicochemical variation, residue mobility, and thermodynamic stability) performed at Invitae indicates that this missense variant is not expected to disrupt KCNH5 protein function. This variant has not been reported in the literature in individuals affected with KCNH5-related conditions. This variant is not present in population databases (gnomAD no frequency). This sequence change replaces leucine, which is neutral and non-polar, with proline, which is neutral and non-polar, at codon 719 of the KCNH5 protein (p.Leu719Pro).